The following is an entry in ClinVar:

NM_016222.4(DDX41):c.233C>T (p.Pro78Leu)

Gene: DDX41 (DEAD-box helicase 41; minus strand). Cytogenetic location: 5q35.3.
Variant type: single nucleotide variant.
Coding change: c.233C>T on transcript NM_016222.4 (MANE Select); coding-DNA position 233, C replaced by T.
Protein change: p.Pro78Leu; replaces proline 78 with leucine.
Molecular consequence: missense variant. On other transcripts: 5 prime UTR variant (2).
Genome position (GRCh38, 1-based): chr5:177,516,353, G>A on the plus strand (C>T on the coding strand, the complement: DDX41 is on the minus strand). VCF-style: chr5-177516353-G-A. GRCh37 (hg19) VCF-style: chr5-176943354-G-A.
Other names: c.233C>T (NM_016222.2); c.-146C>T (NM_001321732.2, NM_001321830.2); short protein forms P78L.
Identifiers: ClinVar variation 4776953 (VCV004776953.2).

ClinVar aggregate classification (germline): Uncertain significance. Review status: criteria provided, multiple submitters, no conflicts (2 of 4 stars). 2 submissions from 2 submitters: Uncertain significance (2). Last evaluated 2026-01-06.

Conditions:
Inborn genetic diseases. Identifiers: MedGen C0950123, MeSH D030342.

Submissions (2):

Ambry Genetics
Classification: Uncertain significance for Inborn genetic diseases. Last evaluated: 2026-01-06. Review status: criteria provided, single submitter. Criteria: Ambry Variant Classification Scheme 2023. Collection method: clinical testing. Allele origin: germline.
Comment: The p.P78L variant (also known as c.233C>T), located in coding exon 3 of the DDX41 gene, results from a C to T substitution at nucleotide position 233. The proline at codon 78 is replaced by leucine, an amino acid with similar properties. This amino acid position is highly conserved in available vertebrate species. In addition, this alteration is predicted to be tolerated by in silico analysis. Based on the available evidence, the clinical significance of this variant remains unclear.

Labcorp Genetics (formerly Invitae), Labcorp
Classification: Uncertain significance. Last evaluated: 2025-05-24. Review status: criteria provided, single submitter. Criteria: Invitae Variant Classification Sherloc (09022015). Collection method: clinical testing. Allele origin: germline.
Comment: This sequence change replaces proline, which is neutral and non-polar, with leucine, which is neutral and non-polar, at codon 78 of the DDX41 protein (p.Pro78Leu). This variant is present in population databases (rs766355942, gnomAD 0.0009%). This variant has not been reported in the literature in individuals affected with DDX41-related conditions. An algorithm developed to predict the effect of missense changes on protein structure and function (PolyPhen-2) suggests that this variant is likely to be tolerated. In summary, the available evidence is currently insufficient to determine the role of this variant in disease. Therefore, it has been classified as a Variant of Uncertain Significance.